The following is an entry in ClinVar:

ClinVar aggregate classification (germline): Uncertain significance (1 of 4 stars; one submission).

Conditions:
Autoimmune interstitial lung disease-arthritis syndrome. Also called: Autoinflammation and autoimmunity, systemic, with immune dysregulation. Identifiers: Orphanet 444092, MedGen C5975714, MONDO:0014629.

gnomAD v4.1: 1 of 1,612,982 alleles (0.000062%); highest among the groups gnomAD compares: Non-Finnish European, 0.000085%; no homozygotes.

Submission:

Labcorp Genetics (formerly Invitae), Labcorp
Classification: Uncertain significance for Autoimmune interstitial lung disease-arthritis syndrome. Last evaluated: 2024-10-16. Review status: criteria provided, single submitter. Criteria: Invitae Variant Classification Sherloc (09022015). Collection method: clinical testing. Allele origin: germline.
Comment: This sequence change replaces threonine, which is neutral and polar, with alanine, which is neutral and non-polar, at codon 911 of the COPA protein (p.Thr911Ala). This variant is not present in population databases (gnomAD no frequency). This variant has not been reported in the literature in individuals affected with COPA-related conditions. ClinVar contains an entry for this variant (Variation ID: 1043020). Invitae Evidence Modeling of protein sequence and biophysical properties (such as structural, functional, and spatial information, amino acid conservation, physicochemical variation, residue mobility, and thermodynamic stability) indicates that this missense variant is not expected to disrupt COPA protein function with a negative predictive value of 80%. In summary, the available evidence is currently insufficient to determine the role of this variant in disease. Therefore, it has been classified as a Variant of Uncertain Significance.

NM_004371.4(COPA):c.2731A>G (p.Thr911Ala)

Gene: COPA (coat protein complex I subunit alpha; minus strand). Cytogenetic location: 1q23.2.
Variant type: single nucleotide variant.
Coding change: c.2731A>G on transcript NM_004371.4 (MANE Select); coding-DNA position 2731, A replaced by G.
Protein change: p.Thr911Ala; replaces threonine 911 with alanine.
Molecular consequence: missense variant.
Genome position (GRCh38, 1-based): chr1:160,293,409, T>C on the plus strand (A>G on the coding strand, the complement: COPA is on the minus strand). VCF-style: chr1-160293409-T-C. GRCh37 (hg19) VCF-style: chr1-160263199-T-C.
Other names: c.2758A>G, p.Thr920Ala (NM_001098398.2); short protein forms T911A, T920A.
Identifiers: ClinVar variation 1043020 (VCV001043020.8), dbSNP rs1658305088, ClinGen allele CA343274957.
Genomic context (GRCh38, chr1:160,293,409, plus strand): 5'-CACTCATCCCTGCCGTGCTAGGTTTCTTCCCGCTTACCTGAGTTGGACTTGTTCCCTTGG[T>C]TGGGGGCACAAAGAAACCATCTTCAGCCCCACCAGCTGCCCCAGGGGATATATCCTAGGG-3'
Protein context (NP_004362.2, residues 901-921): GAEDGFFVPP[Thr911Ala]KGTSPTQIWC